The following is an entry in ClinVar:

NM_018367.7(ACER3):c.232T>C (p.Trp78Arg)

Gene: ACER3 (alkaline ceramidase 3; plus strand). Cytogenetic location: 11q13.5.
Variant type: single nucleotide variant.
Coding change: c.232T>C on transcript NM_018367.7 (MANE Select); coding-DNA position 232, T replaced by C.
Protein change: p.Trp78Arg; replaces tryptophan 78 with arginine.
Molecular consequence: missense variant. On other transcripts: intron variant (2).
Genome position (GRCh38, 1-based): chr11:76,958,996, T>C. VCF-style: chr11-76958996-T-C. GRCh37 (hg19) VCF-style: chr11-76670040-T-C.
Other names: c.121T>C, p.Trp41Arg (NM_001300953.2); c.-142-81T>C (NM_001300954.2); c.-18-17293T>C (NM_001300955.2); short protein forms W41R, W78R.
Identifiers: ClinVar variation 4879180 (VCV004879180.1).

ClinVar aggregate classification (germline): Uncertain significance (1 of 4 stars; one submission).

Conditions:
Alkaline ceramidase 3 deficiency. Also called: LEUKODYSTROPHY, PROGRESSIVE, EARLY CHILDHOOD-ONSET. Identifiers: Orphanet 502444, MedGen C4540358, MONDO:0044718, OMIM 617762.

Submission:

Kasturba Medical College, Manipal, Kasturba Medical College, Manipal, Manipal Academy of Higher Education, Manipal, India
Classification: Uncertain significance for Alkaline ceramidase 3 deficiency. Last evaluated: 2026-07-16. Review status: criteria provided, single submitter. Criteria: ACMG Guidelines, 2015. Collection method: research. Allele origin: biparental. Inheritance: Autosomal recessive inheritance. Affected: yes. Observed: 1 variant allele, 1 homozygote.
Comment: The variant c.232T>C is absent in the gnomAD (v4.1.0) population database, and in our in-house data of 4303 exomes. In-silico analysis tools (REVEL and CADD_phred) predict the variant to be damaging to the ACER3 protein function.